The following is an entry in ClinVar:

ClinVar aggregate classification (germline): Benign/Likely benign. Review status: criteria provided, multiple submitters, no conflicts (2 of 4 stars). 9 submissions from 9 submitters: Benign (4); Likely benign (4). 1 of the submissions does not count toward it. Last evaluated 2026-01-14.

Conditions:
COL4A5-related disorder. Also called: COL4A5-related condition.
X-linked Alport syndrome (ATS1). Also called: COL4A5-Related Nephropathy; NEPHROPATHY AND DEAFNESS, X-LINKED. Identifiers: Orphanet 63, Orphanet 88917, MedGen C4746986, MONDO:0010520, OMIM 301050.

Allele frequency attached by ClinVar (database versions not stated): gnomAD exomes 0.00012 and 0.00038; ExAC 0.00045; ESP Exome Variant Server 0.00095; 1000 Genomes Project 0.00106; 1000 Genomes Project 30x 0.00125; gnomAD 0.00139 and 0.00155; TOPMed 0.00147.
gnomAD v4.1: 288 of 1,208,151 alleles (0.024%); highest among the groups gnomAD compares: African/African-American, 0.45%; no homozygotes.

Submissions (9):

Labcorp Genetics (formerly Invitae), Labcorp
Classification: Benign. Last evaluated: 2026-01-14. Review status: criteria provided, single submitter. Criteria: Invitae Variant Classification Sherloc (09022015). Collection method: clinical testing. Allele origin: germline.

Fulgent Genetics
Classification: Likely benign for X-linked Alport syndrome. Last evaluated: 2022-01-29. Review status: criteria provided, single submitter. Criteria: ACMG Guidelines, 2015. Collection method: clinical testing. Allele origin: unknown.

Blueprint Genetics
Classification: Likely benign. Last evaluated: 2021-07-22. Review status: criteria provided, single submitter. Criteria: ACMG Guidelines, 2015. Collection method: clinical testing. Allele origin: germline.

GeneDx
Classification: Benign. Last evaluated: 2020-07-28. Review status: criteria provided, single submitter. Criteria: GeneDx Variant Classification Process June 2021. Collection method: clinical testing. Allele origin: germline. Affected: yes.

Athena Diagnostics
Classification: Benign. Last evaluated: 2018-02-28. Review status: criteria provided, single submitter. Criteria: Athena Diagnostics Criteria. Collection method: clinical testing. Allele origin: germline.

Eurofins Ntd Llc (ga)
Classification: Benign. Last evaluated: 2017-09-19. Review status: criteria provided, single submitter. Criteria: EGL Classification Definitions 2015. Collection method: clinical testing. Allele origin: germline. Observed: 1 variant allele, 1 heterozygote.

Center for Pediatric Genomic Medicine, Children's Mercy Hospital and Clinics
Classification: Likely benign. Last evaluated: 2017-04-10. Review status: criteria provided, single submitter. Criteria: ACMG Guidelines, 2015. Collection method: clinical testing. Allele origin: germline.

Breakthrough Genomics
Classification: Likely benign. Review status: criteria provided, single submitter. Criteria: ACMG Guidelines, 2015. Collection method: not provided. Allele origin: germline. Inheritance: X-linked inheritance. Affected: yes.

PreventionGenetics, part of Exact Sciences
Classification: Benign for COL4A5-related condition. Last evaluated: 2020-02-05. Review status: no assertion criteria provided. Collection method: clinical testing. Allele origin: germline. Not counted in ClinVar's aggregate classification.
Comment: This variant is classified as benign based on ACMG/AMP sequence variant interpretation guidelines (Richards et al. 2015 PMID: 25741868, with internal and published modifications).

NM_033380.3(COL4A5):c.3148C>T (p.Pro1050Ser)

Gene: COL4A5 (collagen type IV alpha 5 chain; plus strand). Cytogenetic location: Xq22.3.
Variant type: single nucleotide variant.
Coding change: c.3148C>T on transcript NM_033380.3 (MANE Select); coding-DNA position 3148, C replaced by T.
Protein change: p.Pro1050Ser; replaces proline 1050 with serine.
Molecular consequence: missense variant.
Genome position (GRCh38, 1-based): chrX:108,626,251, C>T. VCF-style: chrX-108626251-C-T. GRCh37 (hg19) VCF-style: chrX-107869481-C-T.
Other names: c.3148C>T, p.Pro1050Ser (NM_000495.5); short protein forms P1050S.
Identifiers: ClinVar variation 446016 (VCV000446016.23), dbSNP rs143945573, ClinGen allele CA10489039.
Genomic context (GRCh38, chrX:108,626,251, plus strand): 5'-TATCACATATTTTCAACAGGGCCTCAGGGTGTGGAAGGGCCTCCTGGACCTTCTGGAGTT[C>T]CTGGACAACCTGGCTCCCCAGGATTACCTGGACAGAAAGGCGACAAAGGTGATCCTGGTA-3'
Protein context (NP_203699.1, residues 1040-1060): VEGPPGPSGV[Pro1050Ser]GQPGSPGLPG